The following is an entry in ClinVar:

NM_001287.6(CLCN7):c.1075A>G (p.Asn359Asp)

Gene: CLCN7 (chloride voltage-gated channel 7; minus strand). Cytogenetic location: 16p13.3.
Variant type: single nucleotide variant.
Coding change: c.1075A>G on transcript NM_001287.6 (MANE Select); coding-DNA position 1075, A replaced by G.
Protein change: p.Asn359Asp; replaces asparagine 359 with aspartic acid.
Molecular consequence: missense variant.
Genome position (GRCh38, 1-based): chr16:1,455,157, T>C on the plus strand (A>G on the coding strand, the complement: CLCN7 is on the minus strand). VCF-style: chr16-1455157-T-C. GRCh37 (hg19) VCF-style: chr16-1505158-T-C.
Other names: c.1003A>G, p.Asn335Asp (NM_001114331.3); short protein forms N335D, N359D.
Identifiers: ClinVar variation 1716250 (VCV001716250.5), dbSNP rs2505830825, ClinGen allele CA394189718.
Genomic context (GRCh38, chr16:1,455,157, plus strand): 5'-ATACGAGGTGGGCGAGGTGGGCGATGGGGCAGGTTACCTCCGAGTCAAACCTTCCGAAGT[T>C]GATGAGGCCTGGGCTGGACAGGTCCCACATGTTCCCGTGGTAAATGCTCAGAACAAAATT-3'
Protein context (NP_001278.1, residues 349-369): MWDLSSPGLI[Asn359Asp]FGRFDSEKMA

ClinVar aggregate classification (germline): Uncertain significance (1 of 4 stars; one submission).

Submission:

Labcorp Genetics (formerly Invitae), Labcorp
Classification: Uncertain significance. Last evaluated: 2025-01-13. Review status: criteria provided, single submitter. Criteria: Invitae Variant Classification Sherloc (09022015). Collection method: clinical testing. Allele origin: germline.
Comment: This sequence change replaces asparagine, which is neutral and polar, with aspartic acid, which is acidic and polar, at codon 359 of the CLCN7 protein (p.Asn359Asp). This variant is not present in population databases (gnomAD no frequency). This variant has not been reported in the literature in individuals affected with CLCN7-related conditions. ClinVar contains an entry for this variant (Variation ID: 1716250). An algorithm developed to predict the effect of missense changes on protein structure and function (PolyPhen-2) suggests that this variant is likely to be tolerated. In summary, the available evidence is currently insufficient to determine the role of this variant in disease. Therefore, it has been classified as a Variant of Uncertain Significance.